The following is an entry in ClinVar:

ClinVar aggregate classification (germline): Uncertain significance (1 of 4 stars; one submission).

Submission:

GeneDx
Classification: Uncertain significance. Last evaluated: 2016-03-02. Review status: criteria provided, single submitter. Criteria: GeneDx Variant Classification (06012015). Collection method: clinical testing. Allele origin: germline. Affected: yes.
Comment: The c.220delG variant in the BCORL1 gene has not been reported previously as a pathogenic variant nor as a benign variant, to our knowledge. The c.220delG variant causes a frameshift starting with codon Alanine 74, changes this amino acid to a Glutamine residue, and creates a premature Stop codon at position 42 of the new reading frame, denoted p.A74QfsX42. This variant is predicted to cause loss of normal protein function either through protein truncation or nonsense-mediated mRNA decay. The c.220delG variant was not observed in approximately 6400 individuals of European and African American ancestry in the NHLBI Exome Sequencing Project, indicating it is not a common benign variant in these populations. We interpret c.220delG as a variant of uncertain significance.

NM_001379451.1(BCORL1):c.220del (p.Ala74fs)

Gene: BCORL1 (BCL6 corepressor like 1; plus strand). Cytogenetic location: Xq26.1.
Variant type: Deletion.
Coding change: c.220del on transcript NM_001379451.1 (MANE Select); coding-DNA position 220, one base deleted (G; older notation c.220delG).
Protein change: p.Ala74fs; shifts the reading frame from alanine 74.
Molecular consequence: frameshift variant.
Genome position (GRCh38, 1-based): chrX:130,012,992, G deleted; the last of 6 consecutive G bases (chrX:130,012,987-130,012,992); deleting any one gives the same sequence. VCF-style (leftmost placement, unchanged base first): chrX-130012986-CG-C. GRCh37 (hg19) VCF-style: chrX-129146962-CG-C.
Other names: c.220del, p.Ala74fs (NM_001184772.3, NM_001379450.1, NM_021946.5); c.220delG (NM_021946.4); short protein forms A74fs.
Identifiers: ClinVar variation 420626 (VCV000420626.2), dbSNP rs779498199, ClinGen allele CA16621198.